The following is an entry in ClinVar:

NM_152783.5(D2HGDH):c.659A>G (p.His220Arg)

Gene: D2HGDH (D-2-hydroxyglutarate dehydrogenase; plus strand). Cytogenetic location: 2q37.3.
Variant type: single nucleotide variant.
Coding change: c.659A>G on transcript NM_152783.5 (MANE Select); coding-DNA position 659, A replaced by G.
Protein change: p.His220Arg; replaces histidine 220 with arginine.
Molecular consequence: missense variant. On other transcripts: non-coding transcript variant (1).
Genome position (GRCh38, 1-based): chr2:241,743,790, A>G. VCF-style: chr2-241743790-A-G. GRCh37 (hg19) VCF-style: chr2-242683205-A-G.
Other names: c.257A>G, p.His86Arg (NM_001287249.2); c.98A>G, p.His33Arg (NM_001352824.2); short protein forms H86R, H33R, H220R.
Identifiers: ClinVar variation 662655 (VCV000662655.10), dbSNP rs112424377, ClinGen allele CA2221724.

ClinVar aggregate classification (germline): Conflicting classifications of pathogenicity. Review status: criteria provided, conflicting classifications (1 of 4 stars). 3 submissions from 3 submitters: Uncertain significance (2); Likely benign (1). Last evaluated 2025-12-08.

Conditions:
Inborn genetic diseases. Identifiers: MedGen C0950123, MeSH D030342.
D-2-hydroxyglutaric aciduria 1 (D2HGA1). Identifiers: Orphanet 79315, MedGen C3152055, MONDO:0024554, OMIM 600721.

Allele frequency attached by ClinVar (database versions not stated): gnomAD exomes 0.00002 and 0.00004; ESP Exome Variant Server 0.00008; ExAC 0.00009; gnomAD 0.00014; TOPMed 0.00019; 1000 Genomes Project 30x 0.00031; 1000 Genomes Project 0.00040.
gnomAD v4.1: 56 of 1,606,604 alleles (0.0035%); highest among the groups gnomAD compares: African/African-American, 0.056%; no homozygotes.

Submissions (3):

Labcorp Genetics (formerly Invitae), Labcorp
Classification: Uncertain significance for D-2-hydroxyglutaric aciduria 1. Last evaluated: 2025-12-08. Review status: criteria provided, single submitter. Criteria: Invitae Variant Classification Sherloc (09022015). Collection method: clinical testing. Allele origin: germline.
Comment: This sequence change replaces histidine, which is basic and polar, with arginine, which is basic and polar, at codon 220 of the D2HGDH protein (p.His220Arg). This variant is present in population databases (rs112424377, gnomAD 0.06%). This variant has not been reported in the literature in individuals affected with D2HGDH-related conditions. ClinVar contains an entry for this variant (Variation ID: 662655). Invitae Evidence Modeling of protein sequence and biophysical properties (such as structural, functional, and spatial information, amino acid conservation, physicochemical variation, residue mobility, and thermodynamic stability) indicates that this missense variant is not expected to disrupt D2HGDH protein function with a negative predictive value of 95%. In summary, the available evidence is currently insufficient to determine the role of this variant in disease. Therefore, it has been classified as a Variant of Uncertain Significance.

Ambry Genetics
Classification: Likely benign for Inborn genetic diseases. Last evaluated: 2025-08-29. Review status: criteria provided, single submitter. Criteria: Ambry Variant Classification Scheme 2023. Collection method: clinical testing. Allele origin: germline.

Baylor Genetics
Classification: Uncertain significance for D-2-hydroxyglutaric aciduria 1. Last evaluated: 2020-02-17. Review status: criteria provided, single submitter. Criteria: ACMG Guidelines, 2015. Collection method: clinical testing. Allele origin: unknown. Affected: yes.
Comment: This variant was determined to be of uncertain significance according to ACMG Guidelines, 2015 [PMID:25741868].